The following is an entry in ClinVar:

ClinVar aggregate classification (germline): not provided (0 of 4 stars; one submission).

Conditions:
Endometrial carcinoma. Also called: Endometrial carcinoma, somatic. Identifiers: MedGen C0476089, MONDO:0002447, OMIM 608089, HP:0012114.

Submission:

Laboratory of Translational Genomics,  National Cancer Institute
No classification provided. Condition: Endometrial carcinoma. Review status: no classification provided. Collection method: not provided. Allele origin: somatic.
Comment: Endometrial Cancer specimen

NM_006218.4(PIK3CA):c.1540-56C>T

Gene: PIK3CA (phosphatidylinositol-4,5-bisphosphate 3-kinase catalytic subunit alpha; plus strand). Cytogenetic location: 3q26.32.
Variant type: single nucleotide variant.
Coding change: c.1540-56C>T on transcript NM_006218.4 (MANE Select); 56 bases into the intron before coding-DNA position 1540, C replaced by T.
Molecular consequence: intron variant.
Genome position (GRCh38, 1-based): chr3:179,218,154, C>T. VCF-style: chr3-179218154-C-T. GRCh37 (hg19) VCF-style: chr3-178935942-C-T.
Identifiers: ClinVar variation 132953 (VCV000132953.1), dbSNP rs104886002, ClinGen allele CA156283.